The following is an entry in ClinVar:

ClinVar aggregate classification (germline): Benign/Likely benign. Review status: criteria provided, multiple submitters, no conflicts (2 of 4 stars). 4 submissions from 4 submitters: Benign (1); Likely benign (3). Last evaluated 2026-01-05.

Conditions:
RMND1-related disorder. Also called: RMND1-related condition.

Submissions (4):

Labcorp Genetics (formerly Invitae), Labcorp
Classification: Benign. Last evaluated: 2026-01-05. Review status: criteria provided, single submitter. Criteria: Invitae Variant Classification Sherloc (09022015). Collection method: clinical testing. Allele origin: germline.

PreventionGenetics, part of Exact Sciences
Classification: Likely benign for RMND1-related condition. Last evaluated: 2025-11-26. Review status: criteria provided, single submitter. Criteria: ACMG Guidelines, 2015. Collection method: clinical testing. Allele origin: germline.
Comment: This variant is classified as likely benign based on ACMG/AMP sequence variant interpretation guidelines (Richards et al. 2015 PMID: 25741868, with internal and published modifications).

Blueprint Genetics
Classification: Likely benign. Last evaluated: 2024-11-23. Review status: criteria provided, single submitter. Criteria: ACMG Guidelines, 2015. Collection method: clinical testing. Allele origin: germline.

GeneDx
Classification: Likely benign. Last evaluated: 2017-07-17. Review status: criteria provided, single submitter. Criteria: GeneDx Variant Classification (06012015). Collection method: clinical testing. Allele origin: germline. Affected: yes.
Comment: This variant is considered likely benign or benign based on one or more of the following criteria: it is a conservative change, it occurs at a poorly conserved position in the protein, it is predicted to be benign by multiple in silico algorithms, and/or has population frequency not consistent with disease.

NM_017909.4(RMND1):c.938-6dup

Gene: RMND1 (required for meiotic nuclear division 1 homolog; minus strand). Cytogenetic location: 6q25.1.
Variant type: Duplication.
Coding change: c.938-6dup on transcript NM_017909.4 (MANE Select); 6 bases into the intron before coding-DNA position 938, one base duplicated (T; older notation c.938-6dupT).
Molecular consequence: intron variant.
Genome position (GRCh38, 1-based): chr6:151,422,611, A duplicated on the plus strand (T on the coding strand, the reverse complement: RMND1 is on the minus strand); the first of 7 consecutive A bases (chr6:151,422,611-151,422,617); duplicating any one gives the same sequence. VCF-style (leftmost placement, unchanged base first): chr6-151422610-G-GA. GRCh37 (hg19) VCF-style: chr6-151743745-G-GA.
Other names: c.428-6dup (NM_001271937.2); c.938-6dupT (NM_017909.2, NM_017909.3).
Identifiers: ClinVar variation 420535 (VCV000420535.10), dbSNP rs752180566, ClinGen allele CA4050852.